The following is an entry in ClinVar:

ClinVar aggregate classification (germline): Uncertain significance (1 of 4 stars; one submission).

Conditions:
Mucopolysaccharidosis, MPS-III-B (MPS3B). Also called: MPS IIIB (Sanfilippo Syndrome Type B); N-ACETYL-ALPHA-D-GLUCOSAMINIDASE DEFICIENCY; NAGLU DEFICIENCY; SANFILIPPO SYNDROME B; MPS III B; Mucopolysaccharidosis type IIIB (Sanfilippo B). Identifiers: Orphanet 79270, MedGen C0086648, MONDO:0009656, OMIM 252920.
Charcot-Marie-Tooth disease axonal type 2V. Also called: CHARCOT-MARIE-TOOTH NEUROPATHY, TYPE 2V; CHARCOT-MARIE-TOOTH DISEASE, AXONAL, AUTOSOMAL DOMINANT, TYPE 2V. Identifiers: Orphanet 447964, MedGen C5569050, MONDO:0014665, OMIM 616491.

gnomAD v4.1: 5 of 1,603,316 alleles (0.00031%); highest among the groups gnomAD compares: Non-Finnish European, 0.00026%; no homozygotes.

Submission:

Labcorp Genetics (formerly Invitae), Labcorp
Classification: Uncertain significance for Charcot-Marie-Tooth disease axonal type 2V; Mucopolysaccharidosis, MPS-III-B. Last evaluated: 2025-09-15. Review status: criteria provided, single submitter. Criteria: Invitae Variant Classification Sherloc (09022015). Collection method: clinical testing. Allele origin: germline.
Comment: This sequence change replaces leucine, which is neutral and non-polar, with proline, which is neutral and non-polar, at codon 606 of the NAGLU protein (p.Leu606Pro). This variant is not present in population databases (gnomAD no frequency). This variant has not been reported in the literature in individuals affected with NAGLU-related conditions. Invitae Evidence Modeling of protein sequence and biophysical properties (such as structural, functional, and spatial information, amino acid conservation, physicochemical variation, residue mobility, and thermodynamic stability) indicates that this missense variant is expected to disrupt NAGLU protein function with a positive predictive value of 95%. In summary, the available evidence is currently insufficient to determine the role of this variant in disease. Therefore, it has been classified as a Variant of Uncertain Significance.

NM_000263.4(NAGLU):c.1817T>C (p.Leu606Pro)

Gene: NAGLU (N-acetyl-alpha-glucosaminidase; plus strand). Cytogenetic location: 17q21.2.
Variant type: single nucleotide variant.
Coding change: c.1817T>C on transcript NM_000263.4 (MANE Select); coding-DNA position 1817, T replaced by C.
Protein change: p.Leu606Pro; replaces leucine 606 with proline.
Molecular consequence: missense variant.
Genome position (GRCh38, 1-based): chr17:42,543,823, T>C. VCF-style: chr17-42543823-T-C. GRCh37 (hg19) VCF-style: chr17-40695841-T-C.
Other names: short protein forms L606P.
Identifiers: ClinVar variation 4787541 (VCV004787541.1).